The following is an entry in ClinVar:

NM_014989.7(RIMS1):c.4842A>G (p.Pro1614=)

Gene: RIMS1 (regulating synaptic membrane exocytosis 1; plus strand). Cytogenetic location: 6q13.
Variant type: single nucleotide variant.
Coding change: c.4842A>G on transcript NM_014989.7 (MANE Select); coding-DNA position 4842, A replaced by G.
Protein change: p.Pro1614=; no amino-acid change (proline 1614 retained).
Molecular consequence: synonymous variant.
Genome position (GRCh38, 1-based): chr6:72,399,076, A>G. VCF-style: chr6-72399076-A-G. GRCh37 (hg19) VCF-style: chr6-73108778-A-G.
Other names: c.2802A>G, p.Pro934= (NM_001168407.2); c.2217A>G, p.Pro739= (NM_001168408.2, NM_001350430.2); c.2046A>G, p.Pro682= (NM_001168409.2); c.2244A>G, p.Pro748= (NM_001168410.2); c.423A>G, p.Pro141= (NM_001168411.2); c.2763A>G, p.Pro921= (NM_001350414.2); c.2859A>G, p.Pro953= (NM_001350415.2); c.2808A>G, p.Pro936= (NM_001350416.2); and 54 more.
Identifiers: ClinVar variation 357863 (VCV000357863.16), dbSNP rs376289027, ClinGen allele CA3886611.

ClinVar aggregate classification (germline): Benign. Review status: criteria provided, multiple submitters, no conflicts (2 of 4 stars). 2 submissions from 2 submitters: Benign (2). Last evaluated 2025-11-16.

Conditions:
Cone-rod dystrophy 7 (CORD7). Identifiers: Orphanet 1872, MedGen C1863634, MONDO:0011355, OMIM 603649.

Allele frequency attached by ClinVar (database versions not stated): gnomAD exomes 0.00026 and 0.00048; ExAC 0.00066; 1000 Genomes Project 30x 0.00219; 1000 Genomes Project 0.00240; TOPMed 0.00003; gnomAD 0.00017 and 0.00001; ESP Exome Variant Server 0.00008.
gnomAD v4.1: 400 of 1,608,034 alleles (0.025%); highest among the groups gnomAD compares: South Asian, 0.42%; 10 homozygotes.

Submissions (2):

Labcorp Genetics (formerly Invitae), Labcorp
Classification: Benign. Last evaluated: 2025-11-16. Review status: criteria provided, single submitter. Criteria: Invitae Variant Classification Sherloc (09022015). Collection method: clinical testing. Allele origin: germline.

Illumina Laboratory Services, Illumina
Classification: Benign for Cone-rod dystrophy 7. Last evaluated: 2018-01-12. Review status: criteria provided, single submitter. Criteria: ICSL Variant Classification Criteria 13 December 2019. Collection method: clinical testing. Allele origin: germline.
Comment: This variant was observed in the ICSL laboratory as part of a predisposition screen in an ostensibly healthy population. It had not been previously curated by ICSL or reported in the Human Gene Mutation Database (HGMD: prior to June 1st, 2018), and was therefore a candidate for classification through an automated scoring system. Utilizing variant allele frequency, disease prevalence and penetrance estimates, and inheritance mode, an automated score was calculated to assess if this variant is too frequent to cause the disease. Based on the score and internal cut-off values, a variant classified as benign is not then subjected to further curation. The score for this variant resulted in a classification of benign for this disease.